The following is an entry in ClinVar:

ClinVar aggregate classification (germline): Uncertain significance (1 of 4 stars; one submission).

Allele frequency attached by ClinVar (database versions not stated): gnomAD 0.00001; gnomAD exomes 0.00001; TOPMed 0.00002.

Submission:

Labcorp Genetics (formerly Invitae), Labcorp
Classification: Uncertain significance. Last evaluated: 2022-06-27. Review status: criteria provided, single submitter. Criteria: Invitae Variant Classification Sherloc (09022015). Collection method: clinical testing. Allele origin: germline.
Comment: This sequence change replaces valine, which is neutral and non-polar, with methionine, which is neutral and non-polar, at codon 156 of the TNFRSF9 protein (p.Val156Met). This variant is present in population databases (no rsID available, gnomAD 0.007%). This variant has not been reported in the literature in individuals affected with TNFRSF9-related conditions. Algorithms developed to predict the effect of missense changes on protein structure and function are either unavailable or do not agree on the potential impact of this missense change (SIFT: "Tolerated"; PolyPhen-2: "Probably Damaging"; Align-GVGD: "Class C0"). In summary, the available evidence is currently insufficient to determine the role of this variant in disease. Therefore, it has been classified as a Variant of Uncertain Significance.

NM_001561.6(TNFRSF9):c.466G>A (p.Val156Met)

Gene: TNFRSF9 (TNF receptor superfamily member 9; minus strand). Cytogenetic location: 1p36.23.
Variant type: single nucleotide variant.
Coding change: c.466G>A on transcript NM_001561.6 (MANE Select); coding-DNA position 466, G replaced by A.
Protein change: p.Val156Met; replaces valine 156 with methionine.
Molecular consequence: missense variant.
Genome position (GRCh38, 1-based): chr1:7,935,091, C>T on the plus strand (G>A on the coding strand, the complement: TNFRSF9 is on the minus strand). VCF-style: chr1-7935091-C-T. GRCh37 (hg19) VCF-style: chr1-7995151-C-T.
Other names: short protein forms V156M.
Identifiers: ClinVar variation 1363542 (VCV001363542.5), dbSNP rs1289916547, ClinGen allele CA338158553.